The following is an entry in ClinVar:

NM_005632.3(CAPN15):c.1320C>T (p.Leu440=)

Gene: CAPN15 (calpain 15; plus strand). Cytogenetic location: 16p13.3.
Variant type: single nucleotide variant.
Coding change: c.1320C>T on transcript NM_005632.3 (MANE Select); coding-DNA position 1320, C replaced by T.
Protein change: p.Leu440=; no amino-acid change (leucine 440 retained).
Molecular consequence: synonymous variant.
Genome position (GRCh38, 1-based): chr16:548,158, C>T. VCF-style: chr16-548158-C-T. GRCh37 (hg19) VCF-style: chr16-598158-C-T.
Identifiers: ClinVar variation 5040705 (VCV005040705.1).

ClinVar aggregate classification (germline): Likely benign (1 of 4 stars; one submission).

gnomAD v4.1: 5 of 1,537,916 alleles (0.00033%); highest among the groups gnomAD compares: Admixed American, 0.0041%; no homozygotes.

Submission:

CeGaT Center for Human Genetics Tuebingen
Classification: Likely benign. Last evaluated: 2026-08-01. Review status: criteria provided, single submitter. Criteria: CeGaT Center For Human Genetics Tuebingen Variant Classification Criteria Version 2. Collection method: clinical testing. Allele origin: germline. Affected: yes. Observed: 1 variant allele.
Comment: CAPN15: BP4, BP7